The following is an entry in ClinVar:

ClinVar aggregate classification (germline): Likely benign. Review status: criteria provided, multiple submitters, no conflicts (2 of 4 stars). 2 submissions from 2 submitters: Likely benign (2). Last evaluated 2025-05-19.

Conditions:
Glycogen storage disease IXd (GSD9D). Also called: Muscle Phosphorylase Kinase Deficiency; GSD IXd. Identifiers: Orphanet 715, MedGen C1845151, MONDO:0010362, OMIM 300559.

Allele frequency attached by ClinVar (database versions not stated): gnomAD 0.00002 and 0.00003; TOPMed 0.00003; gnomAD exomes 0.00004 and 0.00008; ESP Exome Variant Server 0.00009; ExAC 0.00011.
gnomAD v4.1: 48 of 1,170,938 alleles (0.0041%); highest among the groups gnomAD compares: Admixed American, 0.026%; no homozygotes.

Submissions (2):

Labcorp Genetics (formerly Invitae), Labcorp
Classification: Likely benign for Glycogen storage disease IXd. Last evaluated: 2025-05-19. Review status: criteria provided, single submitter. Criteria: Invitae Variant Classification Sherloc (09022015). Collection method: clinical testing. Allele origin: germline.

GeneDx
Classification: Likely benign. Last evaluated: 2017-12-22. Review status: criteria provided, single submitter. Criteria: GeneDx Variant Classification (06012015). Collection method: clinical testing. Allele origin: germline. Affected: yes.
Comment: This variant is considered likely benign or benign based on one or more of the following criteria: it is a conservative change, it occurs at a poorly conserved position in the protein, it is predicted to be benign by multiple in silico algorithms, and/or has population frequency not consistent with disease.

NM_002637.4(PHKA1):c.2606+11C>T

Gene: PHKA1 (phosphorylase kinase regulatory subunit alpha 1; minus strand). Cytogenetic location: Xq13.1.
Variant type: single nucleotide variant.
Coding change: c.2606+11C>T on transcript NM_002637.4 (MANE Select); 11 bases into the intron after coding-DNA position 2606, C replaced by T.
Molecular consequence: intron variant.
Genome position (GRCh38, 1-based): chrX:72,609,613, G>A on the plus strand (C>T on the coding strand, the complement: PHKA1 is on the minus strand). VCF-style: chrX-72609613-G-A. GRCh37 (hg19) VCF-style: chrX-71829463-G-A.
Other names: c.2429+11C>T (NM_001172436.2); c.2606+11C>T (NM_001122670.2).
Identifiers: ClinVar variation 513957 (VCV000513957.3), dbSNP rs370133080, ClinGen allele CA10450651.